The following is an entry in ClinVar:

NM_033026.6(PCLO):c.7952C>T (p.Thr2651Ile)

Gene: PCLO (piccolo presynaptic cytomatrix protein; minus strand). Cytogenetic location: 7q21.11.
Variant type: single nucleotide variant.
Coding change: c.7952C>T on transcript NM_033026.6 (MANE Select); coding-DNA position 7952, C replaced by T.
Protein change: p.Thr2651Ile; replaces threonine 2651 with isoleucine.
Molecular consequence: missense variant.
Genome position (GRCh38, 1-based): chr7:82,953,001, G>A on the plus strand (C>T on the coding strand, the complement: PCLO is on the minus strand). VCF-style: chr7-82953001-G-A. GRCh37 (hg19) VCF-style: chr7-82582317-G-A.
Other names: c.7952C>T, p.Thr2651Ile (NM_014510.3); short protein forms T2651I.
Identifiers: ClinVar variation 2420618 (VCV002420618.3), dbSNP rs760861275, ClinGen allele CA4320215.

ClinVar aggregate classification (germline): Uncertain significance (1 of 4 stars; one submission).

Allele frequency attached by ClinVar (database versions not stated): ExAC 0.00001; gnomAD 0.00001; TOPMed 0.00001; gnomAD exomes 0.00004.
gnomAD v4.1: 59 of 1,613,796 alleles (0.0037%); highest among the groups gnomAD compares: Non-Finnish European, 0.0049%; no homozygotes.

Submission:

Labcorp Genetics (formerly Invitae), Labcorp
Classification: Uncertain significance. Last evaluated: 2021-12-15. Review status: criteria provided, single submitter. Criteria: Invitae Variant Classification Sherloc (09022015). Collection method: clinical testing. Allele origin: germline.
Comment: This sequence change replaces threonine, which is neutral and polar, with isoleucine, which is neutral and non-polar, at codon 2651 of the PCLO protein (p.Thr2651Ile). This variant is present in population databases (rs760861275, gnomAD 0.002%). This variant has not been reported in the literature in individuals affected with PCLO-related conditions. Algorithms developed to predict the effect of missense changes on protein structure and function output the following: SIFT: "Tolerated"; PolyPhen-2: "Not Available"; Align-GVGD: "Class C0". The isoleucine amino acid residue is found in multiple mammalian species, which suggests that this missense change does not adversely affect protein function. In summary, the available evidence is currently insufficient to determine the role of this variant in disease. Therefore, it has been classified as a Variant of Uncertain Significance.